The following is an entry in ClinVar:

ClinVar aggregate classification (germline): Uncertain significance (1 of 4 stars; one submission).

Conditions:
Hereditary cancer-predisposing syndrome. Also called: Neoplastic Syndromes, Hereditary; Tumor predisposition; Hereditary neoplastic syndrome; Hereditary Cancer Syndrome. Identifiers: Orphanet 140162, MedGen C0027672, MeSH D009386, MONDO:0015356.

gnomAD v4.1: 1 of 1,614,114 alleles (0.000062%); no homozygotes.

Submission:

Ambry Genetics
Classification: Uncertain significance for Hereditary cancer-predisposing syndrome. Last evaluated: 2022-11-07. Review status: criteria provided, single submitter. Criteria: Ambry Variant Classification Scheme 2023. Collection method: clinical testing. Allele origin: germline.
Comment: The p.I871S variant (also known as c.2612T>G), located in coding exon 4 of the MSH6 gene, results from a T to G substitution at nucleotide position 2612. The isoleucine at codon 871 is replaced by serine, an amino acid with dissimilar properties. This amino acid position is conserved. In addition, this alteration is predicted to be deleterious by in silico analysis. Since supporting evidence is limited at this time, the clinical significance of this alteration remains unclear.

NM_000179.3(MSH6):c.2612T>G (p.Ile871Ser)

Gene: MSH6 (mutS homolog 6; plus strand). Cytogenetic location: 2p16.3.
Variant type: single nucleotide variant.
Coding change: c.2612T>G on transcript NM_000179.3 (MANE Select); coding-DNA position 2612, T replaced by G.
Protein change: p.Ile871Ser; replaces isoleucine 871 with serine.
Molecular consequence: missense variant. On other transcripts: non-coding transcript variant (5), intron variant (3).
Genome position (GRCh38, 1-based): chr2:47,800,595, T>G. VCF-style: chr2-47800595-T-G. GRCh37 (hg19) VCF-style: chr2-48027734-T-G.
Other names: c.2222T>G, p.Ile741Ser (NM_001281492.2); c.1706T>G, p.Ile569Ser (NM_001281493.2, NM_001281494.2, NM_001406811.1 and 6 more transcripts); c.2708T>G, p.Ile903Ser (NM_001406795.1, NM_001406802.1); c.2612T>G, p.Ile871Ser (NM_001406796.1, NM_001406798.1, NM_001406800.1 and 2 more transcripts); c.2315T>G, p.Ile772Ser (NM_001406797.1, NM_001406801.1, NM_001406805.1 and 10 more transcripts); c.2087T>G, p.Ile696Ser (NM_001406799.1, NM_001406806.1, NM_001406807.1); c.2534T>G, p.Ile845Ser (NM_001406804.1); c.2618T>G, p.Ile873Ser (NM_001406813.1); and 4 more; short protein forms I845S, I871S, I815S, I569S, I741S, I772S, I873S, I696S.
Identifiers: ClinVar variation 2453156 (VCV002453156.2), dbSNP rs2104415126, ClinGen allele CA346754994.